The following is an entry in ClinVar:

NM_006648.4(WNK2):c.3806G>A (p.Arg1269His)

Gene: WNK2 (WNK lysine deficient protein kinase 2; plus strand). Cytogenetic location: 9q22.31.
Variant type: single nucleotide variant.
Coding change: c.3806G>A on transcript NM_006648.4 (MANE Select); coding-DNA position 3806, G replaced by A.
Protein change: p.Arg1269His; replaces arginine 1269 with histidine.
Molecular consequence: missense variant.
Genome position (GRCh38, 1-based): chr9:93,267,855, G>A. VCF-style: chr9-93267855-G-A. GRCh37 (hg19) VCF-style: chr9-96030137-G-A.
Other names: c.3806G>A, p.Arg1269His (NM_001282394.3); short protein forms R1269H.
Identifiers: ClinVar variation 3470425 (VCV003470425.1).
Genomic context (GRCh38, chr9:93,267,855, plus strand): 5'-AGATGAAGGATGTCATGGACAAGGCAGAGGACATGCTCAGCGAGGACACAGACGCCGACC[G>A]TGGCTCCGACCCAGGGACCAGCCCGCCACACCTCAGCACCTGCGGCCTGGGCACCGGGGA-3'
Protein context (NP_006639.3, residues 1259-1279): DMLSEDTDAD[Arg1269His]GSDPGTSPPH

ClinVar aggregate classification (germline): Uncertain significance (1 of 4 stars; one submission).

gnomAD v4.1: 7 of 1,611,276 alleles (0.00043%); highest among the groups gnomAD compares: African/African-American, 0.008%; no homozygotes.

Submission:

Ambry Genetics
Classification: Uncertain significance. Last evaluated: 2024-11-25. Review status: criteria provided, single submitter. Criteria: Ambry Variant Classification Scheme 2023. Collection method: clinical testing. Allele origin: germline.
Comment: The p.R1269H variant (also known as c.3806G>A), located in coding exon 16 of the WNK2 gene, results from a G to A substitution at nucleotide position 3806. The arginine at codon 1269 is replaced by histidine, an amino acid with highly similar properties. This amino acid position is conserved. In addition, this alteration is predicted to be tolerated by in silico analysis. Based on the available evidence, the clinical significance of this variant remains unclear.